The following is an entry in ClinVar:

NM_024577.4(SH3TC2):c.*929G>C

Gene: SH3TC2 (SH3 domain and tetratricopeptide repeats 2; minus strand). Cytogenetic location: 5q32.
Variant type: single nucleotide variant.
Coding change: c.*929G>C on transcript NM_024577.4 (MANE Select); 929 bases downstream of the stop codon, G replaced by C.
Molecular consequence: 3 prime UTR variant.
Genome position (GRCh38, 1-based): chr5:149,003,782, C>G on the plus strand (G>C on the coding strand, the complement: SH3TC2 is on the minus strand). VCF-style: chr5-149003782-C-G. GRCh37 (hg19) VCF-style: chr5-148383345-C-G.
Identifiers: ClinVar variation 351874 (VCV000351874.5), dbSNP rs1432798, ClinGen allele CA3498587.

ClinVar aggregate classification (germline): Benign. Review status: criteria provided, single submitter (1 of 4 stars). 2 submissions from 1 submitter: Benign (2). Last evaluated 2018-01-12.

Conditions:
Susceptibility to mononeuropathy of the median nerve, mild. Also called: CARPAL TUNNEL SYNDROME, SUSCEPTIBILITY TO. Identifiers: MedGen C3150596, MONDO:0013237, OMIM 613353.
Charcot-Marie-Tooth disease type 4C (CMT4C). Also called: CHARCOT-MARIE-TOOTH DISEASE, DEMYELINATING, AUTOSOMAL RECESSIVE, TYPE 4C; CMT 4C; Charcot-Marie-Tooth Neuropathy Type 4C (CMT4C); CHARCOT-MARIE-TOOTH DISEASE, DEMYELINATING, TYPE 4C; SH3TC2-Related Hereditary Motor and Sensory Neuropathy. Identifiers: Orphanet 99949, MedGen C1866636, MONDO:0011113, OMIM 601596.

Allele frequency attached by ClinVar (database versions not stated): gnomAD exomes 0.25687 and 0.27240; ExAC 0.29191; gnomAD 0.30995 and 0.31381; 1000 Genomes Project 0.31270; 1000 Genomes Project 30x 0.31746; TOPMed 0.32394.
gnomAD v4.1: 121,276 of 442,256 alleles (27%); highest among the groups gnomAD compares: African/African-American, 48%; 18,910 homozygotes.

Submissions (2):

Illumina Laboratory Services, Illumina
Classification: Benign for Susceptibility to mononeuropathy of the median nerve, mild. Last evaluated: 2018-01-12. Review status: criteria provided, single submitter. Criteria: ICSL Variant Classification Criteria 13 December 2019. Collection method: clinical testing. Allele origin: germline.
Comment: This variant was observed in the ICSL laboratory as part of a predisposition screen in an ostensibly healthy population. It had not been previously curated by ICSL or reported in the Human Gene Mutation Database (HGMD: prior to June 1st, 2018), and was therefore a candidate for classification through an automated scoring system. Utilizing variant allele frequency, disease prevalence and penetrance estimates, and inheritance mode, an automated score was calculated to assess if this variant is too frequent to cause the disease. Based on the score and internal cut-off values, a variant classified as benign is not then subjected to further curation. The score for this variant resulted in a classification of benign for this disease.

Illumina Laboratory Services, Illumina
Classification: Benign for Charcot-Marie-Tooth disease type 4C. Last evaluated: 2018-01-12. Review status: criteria provided, single submitter. Criteria: ICSL Variant Classification Criteria 13 December 2019. Collection method: clinical testing. Allele origin: germline.
Comment: the same text as in the submission from Illumina Laboratory Services, Illumina above.